The following is an entry in ClinVar:

ClinVar aggregate classification (germline): Uncertain significance (1 of 4 stars; one submission).

Conditions:
Hypomyelination and Congenital Cataract (HLD5). Also called: hypomyelinating leukodystrophy 5. Identifiers: Orphanet 85163, MedGen C1864663, MONDO:0012514, OMIM 610532.

Submission:

Labcorp Genetics (formerly Invitae), Labcorp
Classification: Uncertain significance for Hypomyelination and Congenital Cataract. Last evaluated: 2023-05-11. Review status: criteria provided, single submitter. Criteria: Invitae Variant Classification Sherloc (09022015). Collection method: clinical testing. Allele origin: germline.
Comment: In summary, the available evidence is currently insufficient to determine the role of this variant in disease. Therefore, it has been classified as a Variant of Uncertain Significance. Variants that disrupt the consensus splice site are a relatively common cause of aberrant splicing (PMID: 17576681, 9536098). Algorithms developed to predict the effect of sequence changes on RNA splicing suggest that this variant may disrupt the consensus splice site. This variant has not been reported in the literature in individuals affected with FAM126A-related conditions. This variant is not present in population databases (gnomAD no frequency). This sequence change falls in intron 5 of the FAM126A gene. It does not directly change the encoded amino acid sequence of the FAM126A protein. It affects a nucleotide within the consensus splice site.

Literature cited by the submitters: PubMed 17576681; PubMed 9536098.

NM_032581.4(HYCC1):c.414+5G>C

Gene: HYCC1 (hyccin PI4KA lipid kinase complex subunit 1; minus strand). Cytogenetic location: 7p15.3.
Variant type: single nucleotide variant.
Coding change: c.414+5G>C on transcript NM_032581.4 (MANE Select); 5 bases into the intron after coding-DNA position 414, G replaced by C.
Molecular consequence: intron variant.
Genome position (GRCh38, 1-based): chr7:22,977,336, C>G on the plus strand (G>C on the coding strand, the complement: HYCC1 is on the minus strand). VCF-style: chr7-22977336-C-G. GRCh37 (hg19) VCF-style: chr7-23016955-C-G.
Other names: c.414+5G>C (NM_001363467.2, NM_001363466.2).
Identifiers: ClinVar variation 2860617 (VCV002860617.3), dbSNP rs2534434743, ClinGen allele CA2739266369.
Genomic context (GRCh38, chr7:22,977,336, plus strand): 5'-ATTATAACTTGTGGCAATATCAAAGCTTAGGGTCAATAAACTTACTGTGATAAAATGTCA[C>G]TTACTTCATGGTATACAGATGGTTTGGATAAAGATGGAATCGTAAAACTCAATACTTTGG-3'